The following is an entry in ClinVar:

ClinVar aggregate classification (germline): Likely benign (1 of 4 stars; one submission).

Allele frequency attached by ClinVar (database versions not stated): ExAC 0.00005; gnomAD 0.00006; TOPMed 0.00008.
gnomAD v4.1: 48 of 1,209,214 alleles (0.004%); highest among the groups gnomAD compares: Middle Eastern, 0.046%; no homozygotes.

Submission:

CeGaT Center for Human Genetics Tuebingen
Classification: Likely benign. Last evaluated: 2024-06-01. Review status: criteria provided, single submitter. Criteria: CeGaT Center For Human Genetics Tuebingen Variant Classification Criteria Version 2. Collection method: clinical testing. Allele origin: germline. Affected: yes. Observed: 1 variant allele.
Comment: BCORL1: BP4, BP7, BS2

NM_001379451.1(BCORL1):c.312C>T (p.Asn104=)

Gene: BCORL1 (BCL6 corepressor like 1; plus strand). Cytogenetic location: Xq26.1.
Variant type: single nucleotide variant.
Coding change: c.312C>T on transcript NM_001379451.1 (MANE Select); coding-DNA position 312, C replaced by T.
Protein change: p.Asn104=; no amino-acid change (asparagine 104 retained).
Molecular consequence: synonymous variant.
Genome position (GRCh38, 1-based): chrX:130,013,084, C>T. VCF-style: chrX-130013084-C-T. GRCh37 (hg19) VCF-style: chrX-129147060-C-T.
Other names: c.312C>T, p.Asn104= (NM_001184772.3, NM_001379450.1, NM_021946.5).
Identifiers: ClinVar variation 3250709 (VCV003250709.18), dbSNP rs766447653.